The following is an entry in ClinVar:

ClinVar aggregate classification (germline): Uncertain significance (1 of 4 stars; one submission).

Conditions:
Ornithine carbamoyltransferase deficiency (OTCD). Also called: ORNITHINE TRANSCARBAMYLASE DEFICIENCY; ORNITHINE TRANSCARBAMYLASE DEFICIENCY, HYPERAMMONEMIA DUE TO; OTC DEFICIENCY; Ornithine Carbamoyltransferase Deficiency Disease. Identifiers: Orphanet 664, MedGen C0268542, MONDO:0010703, OMIM 311250.

Submission:

All of Us Research Program, National Institutes of Health
Classification: Uncertain significance for Ornithine carbamoyltransferase deficiency. Last evaluated: 2023-08-15. Review status: criteria provided, single submitter. Criteria: ACMG Guidelines, 2015. Collection method: clinical testing. Allele origin: germline. Inheritance: X-linked inheritance. Observed: 1 variant allele, 1 heterozygote.
Comment: This missense variant replaces lysine with glutamic acid at codon 153 of the OTC protein. Computational prediction is inconclusive regarding the impact of this variant on protein structure and function (internally defined REVEL score threshold 0.5 < inconclusive < 0.7, PMID: 27666373). To our knowledge, functional studies have not been reported for this variant. This variant has not been reported in individuals affected with OTC-related disorders in the literature. This variant has not been identified in the general population by the Genome Aggregation Database (gnomAD). The available evidence is insufficient to determine the role of this variant in disease conclusively. Therefore, this variant is classified as a Variant of Uncertain Significance.

This study involves interpretation of variants in research participants for the purpose of population health screening. Participant phenotype was not available at the time of variant classification. Additional details can be found in publication PMID: 35346344, PMCID: PMC8962531

NM_000531.6(OTC):c.457A>G (p.Lys153Glu)

Gene: OTC (ornithine transcarbamylase; plus strand). Cytogenetic location: Xp11.4.
Variant type: single nucleotide variant.
Coding change: c.457A>G on transcript NM_000531.6 (MANE Select); coding-DNA position 457, A replaced by G.
Protein change: p.Lys153Glu; replaces lysine 153 with glutamic acid.
Molecular consequence: missense variant.
Genome position (GRCh38, 1-based): chrX:38,401,345, A>G. VCF-style: chrX-38401345-A-G. GRCh37 (hg19) VCF-style: chrX-38260598-A-G.
Other names: c.457A>G, p.Lys153Glu (NM_001407092.1); short protein forms K153E.
Identifiers: ClinVar variation 3072768 (VCV003072768.1), dbSNP rs2519973442, ClinGen allele CA412723377.